The following is an entry in ClinVar:

ClinVar aggregate classification (germline): Pathogenic (1 of 4 stars; one submission).

Conditions:
CEP290-related ciliopathy. Also called: CEP290 ciliopathy. Identifiers: MedGen CN305601, MONDO:0100451.

Submission:

Myriad Genetics, Inc.
Classification: Pathogenic for CEP290-related ciliopathy. Last evaluated: 2026-02-26. Review status: criteria provided, single submitter. Criteria: Myriad Autosomal Dominant, Autosomal Recessive and X-Linked Classification Criteria (2023). Collection method: clinical testing. Allele origin: unknown.
Comment: NM_025114.3(CEP290):c.3713T>G(L1238*) is expected to be pathogenic in the context of CEP290-related disorders. This variant is predicted to lead to an abnormal or absent protein product due to the creation of a premature termination codon in CEP290, a gene where loss-of-function variants are known to be pathogenic. Please note: this variant was assessed in the context of healthy population screening.

NM_025114.4(CEP290):c.3713T>G (p.Leu1238Ter)

Gene: CEP290 (centrosomal protein 290; minus strand). Cytogenetic location: 12q21.32.
Variant type: single nucleotide variant.
Coding change: c.3713T>G on transcript NM_025114.4 (MANE Select); coding-DNA position 3713, T replaced by G.
Protein change: p.Leu1238Ter; replaces leucine 1238 with a stop codon.
Molecular consequence: nonsense.
Genome position (GRCh38, 1-based): chr12:88,089,348, A>C on the plus strand (T>G on the coding strand, the complement: CEP290 is on the minus strand). VCF-style: chr12-88089348-A-C. GRCh37 (hg19) VCF-style: chr12-88483125-A-C.
Other names: short protein forms L1238*.
Identifiers: ClinVar variation 5015612 (VCV005015612.1).